The following is an entry in ClinVar:

ClinVar aggregate classification (germline): Uncertain significance (1 of 4 stars; one submission).

Conditions:
Lymphatic malformation 6 (LMPHM6). Also called: GENERALIZED LYMPHATIC DYSPLASIA OF FOTIOU; Lymphedema, hereditary, III; PIEZO1-related generalized lymphatic dysplasia with non-immune hydrops fetalis. Identifiers: Orphanet 568062, MedGen C4225184, MONDO:0014797, OMIM 616843.

gnomAD v4.1: 32 of 1,543,978 alleles (0.0021%); highest among the groups gnomAD compares: Middle Eastern, 0.019%; no homozygotes.

Submission:

Clinical Genomics Laboratory, Washington University in St. Louis
Classification: Uncertain significance for Lymphatic malformation 6. Last evaluated: 2025-12-29. Review status: criteria provided, single submitter. Criteria: ACMG Guidelines, 2015. Collection method: clinical testing. Allele origin: germline.
Comment: A PIEZO1 c.4955+9G>A variant was identified at a near heterozygous allelic fraction of 49.7%, a frequency which may be consistent with it being of germline origin. This variant, to our knowledge, has not been reported in the medical literature or the ClinVar database. It is only observed on 32/1,543,978 alleles in the general population (gnomAD v4.1.0), indicating it is not a common variant. Computational predictors are uncertain as to the impact of this variant on splicing. Due to limited information, and based on ACMG/AMP guidelines for variant interpretation (Richards S et al., PMID: 25741868), the clinical significance of this variant is uncertain at this time.

NM_001142864.4(PIEZO1):c.4955+9G>A

Gene: PIEZO1 (piezo type mechanosensitive ion channel component 1 (Er blood group); minus strand). Cytogenetic location: 16q24.3.
Variant type: single nucleotide variant.
Coding change: c.4955+9G>A on transcript NM_001142864.4 (MANE Select); 9 bases into the intron after coding-DNA position 4955, G replaced by A.
Molecular consequence: intron variant.
Genome position (GRCh38, 1-based): chr16:88,722,209, C>T on the plus strand (G>A on the coding strand, the complement: PIEZO1 is on the minus strand). VCF-style: chr16-88722209-C-T. GRCh37 (hg19) VCF-style: chr16-88788617-C-T.
Identifiers: ClinVar variation 4974605 (VCV004974605.1).
Genomic context (GRCh38, chr16:88,722,209, plus strand): 5'-CTCCTGCCCCTGTTCGGCTGCTCCCCGAGGGCCATGGTGAGGCTGGTGTTGTGCGCGTCC[C>T]GCCCCCACCTGTCCAGGAGCAGCTCGCTGGCCGTCCGCATCAGTCCCTGGTACAGAGAGG-3'